The following is an entry in ClinVar:

ClinVar aggregate classification (germline): Uncertain significance (1 of 4 stars; one submission).

Conditions:
Cardiovascular phenotype. Identifiers: MedGen CN230736.

Allele frequency attached by ClinVar (database versions not stated): gnomAD exomes below 0.00001; TOPMed below 0.00001.

Submission:

Ambry Genetics
Classification: Uncertain significance for Cardiovascular phenotype. Last evaluated: 2021-11-24. Review status: criteria provided, single submitter. Criteria: Ambry Variant Classification Scheme 2023. Collection method: clinical testing. Allele origin: germline.
Comment: The p.M1327I variant (also known as c.3981G>A), located in coding exon 9 of the TNXB gene, results from a G to A substitution at nucleotide position 3981. The methionine at codon 1327 is replaced by isoleucine, an amino acid with highly similar properties. This amino acid position is conserved. In addition, this alteration is predicted to be tolerated by in silico analysis. Since supporting evidence is limited at this time, the clinical significance of this alteration remains unclear.

NM_001365276.2(TNXB):c.3981G>A (p.Met1327Ile)

Gene: TNXB (tenascin XB; minus strand). Cytogenetic location: 6p21.33.
Variant type: single nucleotide variant.
Coding change: c.3981G>A on transcript NM_001365276.2 (MANE Select); coding-DNA position 3981, G replaced by A.
Protein change: p.Met1327Ile; replaces methionine 1327 with isoleucine.
Molecular consequence: missense variant.
Genome position (GRCh38, 1-based): chr6:32,081,429, C>T on the plus strand (G>A on the coding strand, the complement: TNXB is on the minus strand). VCF-style: chr6-32081429-C-T. GRCh37 (hg19) VCF-style: chr6-32049206-C-T.
Other names: c.3981G>A, p.Met1327Ile (NM_019105.8); short protein forms M1327I.
Identifiers: ClinVar variation 1736708 (VCV001736708.2), dbSNP rs764099103, ClinGen allele CA3735066.